The following is an entry in ClinVar:

ClinVar aggregate classification (germline): Uncertain significance (1 of 4 stars; one submission).

Allele frequency attached by ClinVar (database versions not stated): TOPMed 0.00027; ExAC 0.00007; 1000 Genomes Project 0.00020; gnomAD 0.00021; gnomAD exomes 0.00003; 1000 Genomes Project 30x 0.00016; ESP Exome Variant Server 0.00038.
gnomAD v4.1: 70 of 1,611,632 alleles (0.0043%); highest among the groups gnomAD compares: African/African-American, 0.092%; no homozygotes.

Submission:

Labcorp Genetics (formerly Invitae), Labcorp
Classification: Uncertain significance. Last evaluated: 2025-12-19. Review status: criteria provided, single submitter. Criteria: Invitae Variant Classification Sherloc (09022015). Collection method: clinical testing. Allele origin: germline.
Comment: This sequence change replaces methionine, which is neutral and non-polar, with isoleucine, which is neutral and non-polar, at codon 683 of the ITSN2 protein (p.Met683Ile). This variant is present in population databases (rs148637980, gnomAD 0.07%), and has an allele count higher than expected for a pathogenic variant. This variant has not been reported in the literature in individuals affected with ITSN2-related conditions. ClinVar contains an entry for this variant (Variation ID: 2895929). An algorithm developed to predict the effect of missense changes on protein structure and function outputs the following: PolyPhen-2: "Not Available". The isoleucine amino acid residue is found in multiple mammalian species, which suggests that this missense change does not adversely affect protein function. In summary, the available evidence is currently insufficient to determine the role of this variant in disease. Therefore, it has been classified as a Variant of Uncertain Significance.

NM_006277.3(ITSN2):c.2049G>A (p.Met683Ile)

Gene: ITSN2 (intersectin 2; minus strand). Cytogenetic location: 2p23.3.
Variant type: single nucleotide variant.
Coding change: c.2049G>A on transcript NM_006277.3 (MANE Select); coding-DNA position 2049, G replaced by A.
Protein change: p.Met683Ile; replaces methionine 683 with isoleucine.
Molecular consequence: missense variant.
Genome position (GRCh38, 1-based): chr2:24,275,745, C>T on the plus strand (G>A on the coding strand, the complement: ITSN2 is on the minus strand). VCF-style: chr2-24275745-C-T. GRCh37 (hg19) VCF-style: chr2-24498614-C-T.
Other names: c.1968G>A, p.Met656Ile (NM_019595.4, NM_001348182.2, NM_001348183.2 and 1 more transcripts); c.2049G>A, p.Met683Ile (NM_147152.3, NM_001348185.2); c.2007G>A, p.Met669Ile (NM_001348181.2); c.1926G>A, p.Met642Ile (NM_001348184.2); short protein forms M642I, M683I, M656I, M669I.
Identifiers: ClinVar variation 2895929 (VCV002895929.3), dbSNP rs148637980, ClinGen allele CA1551307.
Genomic context (GRCh38, chr2:24,275,745, plus strand): 5'-AGCACAATAAATATATCAGCTATATTACCTTGCAGCCTCATCTTCTAGTTTCTTTTTCTG[C>T]ATTAGTTCTAATCTTTTCCTTTCAATTTCCTTCAACTTGTCACGTTTGATCTTATAAAGC-3'
Protein context (NP_006268.2, residues 673-693): KEIERKRLEL[Met683Ile]QKKKLEDEAA